The following is an entry in ClinVar:

NM_014053.4(FLVCR1):c.525C>T (p.Leu175=)

Gene: FLVCR1 (FLVCR choline and heme transporter 1; plus strand). Cytogenetic location: 1q32.3.
Variant type: single nucleotide variant.
Coding change: c.525C>T on transcript NM_014053.4 (MANE Select); coding-DNA position 525, C replaced by T.
Protein change: p.Leu175=; no amino-acid change (leucine 175 retained).
Molecular consequence: synonymous variant.
Genome position (GRCh38, 1-based): chr1:212,858,977, C>T. VCF-style: chr1-212858977-C-T. GRCh37 (hg19) VCF-style: chr1-213032319-C-T.
Identifiers: ClinVar variation 725857 (VCV000725857.11), dbSNP rs755329362, ClinGen allele CA1385906.

ClinVar aggregate classification (germline): Likely benign. Review status: criteria provided, multiple submitters, no conflicts (2 of 4 stars). 4 submissions from 4 submitters: Likely benign (4). Last evaluated 2026-06-24.

Conditions:
FLVCR1-related disorder. Also called: FLVCR1-related condition.

Allele frequency attached by ClinVar (database versions not stated): gnomAD 0.00007 and 0.00008; gnomAD exomes 0.00008 and 0.00018; TOPMed 0.00011; ExAC 0.00015.
gnomAD v4.1: 129 of 1,613,930 alleles (0.008%); highest among the groups gnomAD compares: Admixed American, 0.097%; no homozygotes.

Submissions (4):

Women's Health and Genetics/Laboratory Corporation of America, LabCorp
Classification: Likely benign. Last evaluated: 2026-06-24. Review status: criteria provided, single submitter. Criteria: LabCorp Variant Classification Summary - May 2015. Collection method: clinical testing. Allele origin: germline.

PreventionGenetics, part of Exact Sciences
Classification: Likely benign for FLVCR1-related condition. Last evaluated: 2025-12-30. Review status: criteria provided, single submitter. Criteria: ACMG Guidelines, 2015. Collection method: clinical testing. Allele origin: germline.
Comment: This variant is classified as likely benign based on ACMG/AMP sequence variant interpretation guidelines (Richards et al. 2015 PMID: 25741868, with internal and published modifications).

Labcorp Genetics (formerly Invitae), Labcorp
Classification: Likely benign. Last evaluated: 2025-06-07. Review status: criteria provided, single submitter. Criteria: Invitae Variant Classification Sherloc (09022015). Collection method: clinical testing. Allele origin: germline.

Blueprint Genetics
Classification: Likely benign. Last evaluated: 2023-10-24. Review status: criteria provided, single submitter. Criteria: ACMG Guidelines, 2015. Collection method: clinical testing. Allele origin: germline.